The following is an entry in ClinVar:

ClinVar aggregate classification (germline): Uncertain significance. Review status: criteria provided, multiple submitters, no conflicts (2 of 4 stars). 2 submissions from 2 submitters: Uncertain significance (2). Last evaluated 2025-01-14.

Conditions:
Progressive myoclonic epilepsy type 5. Identifiers: Orphanet 402082, MedGen C5190799.

gnomAD v4.1: 10 of 1,614,190 alleles (0.00062%); highest among the groups gnomAD compares: Non-Finnish European, 0.00076%; no homozygotes.

Submissions (2):

Labcorp Genetics (formerly Invitae), Labcorp
Classification: Uncertain significance for Progressive myoclonic epilepsy type 5. Last evaluated: 2025-01-14. Review status: criteria provided, single submitter. Criteria: Invitae Variant Classification Sherloc (09022015). Collection method: clinical testing. Allele origin: germline.
Comment: This sequence change replaces glutamic acid, which is acidic and polar, with lysine, which is basic and polar, at codon 248 of the PRICKLE2 protein (p.Glu248Lys). This variant is present in population databases (rs775194500, gnomAD 0.0009%). This variant has not been reported in the literature in individuals affected with PRICKLE2-related conditions. Invitae Evidence Modeling of protein sequence and biophysical properties (such as structural, functional, and spatial information, amino acid conservation, physicochemical variation, residue mobility, and thermodynamic stability) indicates that this missense variant is expected to disrupt PRICKLE2 protein function with a positive predictive value of 80%. In summary, the available evidence is currently insufficient to determine the role of this variant in disease. Therefore, it has been classified as a Variant of Uncertain Significance.

Blueprint Genetics
Classification: Uncertain significance. Last evaluated: 2022-06-24. Review status: criteria provided, single submitter. Criteria: ACMG Guidelines, 2015. Collection method: clinical testing. Allele origin: germline.

NM_198859.4(PRICKLE2):c.742G>A (p.Glu248Lys)

Gene: PRICKLE2 (prickle planar cell polarity protein 2; minus strand). Cytogenetic location: 3p14.1.
Variant type: single nucleotide variant.
Coding change: c.742G>A on transcript NM_198859.4 (MANE Select); coding-DNA position 742, G replaced by A.
Protein change: p.Glu248Lys; replaces glutamic acid 248 with lysine.
Molecular consequence: missense variant.
Genome position (GRCh38, 1-based): chr3:64,153,227, C>T on the plus strand (G>A on the coding strand, the complement: PRICKLE2 is on the minus strand). VCF-style: chr3-64153227-C-T. GRCh37 (hg19) VCF-style: chr3-64138903-C-T.
Other names: c.742G>A, p.Glu248Lys (NM_001370528.1); short protein forms E248K.
Identifiers: ClinVar variation 3730351 (VCV003730351.3).